The following is an entry in ClinVar:

NM_025137.4(SPG11):c.6011T>C (p.Leu2004Ser)

Gene: SPG11 (SPG11 vesicle trafficking associated, spatacsin; minus strand). Cytogenetic location: 15q21.1.
Variant type: single nucleotide variant.
Coding change: c.6011T>C on transcript NM_025137.4 (MANE Select); coding-DNA position 6011, T replaced by C.
Protein change: p.Leu2004Ser; replaces leucine 2004 with serine.
Molecular consequence: missense variant. On other transcripts: intron variant (1).
Genome position (GRCh38, 1-based): chr15:44,573,741, A>G on the plus strand (T>C on the coding strand, the complement: SPG11 is on the minus strand). VCF-style: chr15-44573741-A-G. GRCh37 (hg19) VCF-style: chr15-44865939-A-G.
Other names: c.5867-921T>C (NM_001160227.2); short protein forms L2004S.
Identifiers: ClinVar variation 1445274 (VCV001445274.8), dbSNP rs995829315, ClinGen allele CA270069932.

ClinVar aggregate classification (germline): Uncertain significance (1 of 4 stars; one submission).

Conditions:
Hereditary spastic paraplegia 11. Also called: SPASTIC PARAPLEGIA, AUTOSOMAL RECESSIVE, COMPLICATED, WITH THIN CORPUS CALLOSUM; SPASTIC PARAPLEGIA, AUTOSOMAL RECESSIVE, WITH MENTAL IMPAIRMENT AND THIN CORPUS CALLOSUM; Spastic paraplegia, mental retardation and thin corpus callosum; Spastic Paraplegia 11; Nakamura Osame syndrome; Autosomal recessive hereditary spastic paraplegia, mental impairment, and thin corpus callosum. Identifiers: Orphanet 2822, MedGen C1858479, MONDO:0011445, OMIM 604360.

Allele frequency attached by ClinVar (database versions not stated): gnomAD exomes below 0.00001; gnomAD 0.00001; TOPMed 0.00001.
gnomAD v4.1: 1 of 1,614,098 alleles (0.000062%); no homozygotes.

Submission:

Labcorp Genetics (formerly Invitae), Labcorp
Classification: Uncertain significance for Hereditary spastic paraplegia 11. Last evaluated: 2022-12-06. Review status: criteria provided, single submitter. Criteria: Invitae Variant Classification Sherloc (09022015). Collection method: clinical testing. Allele origin: germline.
Comment: This sequence change replaces leucine, which is neutral and non-polar, with serine, which is neutral and polar, at codon 2004 of the SPG11 protein (p.Leu2004Ser). This variant is present in population databases (no rsID available, gnomAD 0.0009%). This variant has not been reported in the literature in individuals affected with SPG11-related conditions. ClinVar contains an entry for this variant (Variation ID: 1445274). Advanced modeling of protein sequence and biophysical properties (such as structural, functional, and spatial information, amino acid conservation, physicochemical variation, residue mobility, and thermodynamic stability) performed at Invitae indicates that this missense variant is expected to disrupt SPG11 protein function. In summary, the available evidence is currently insufficient to determine the role of this variant in disease. Therefore, it has been classified as a Variant of Uncertain Significance.